The following is an entry in ClinVar:

NM_001048174.2(MUTYH):c.1427C>T (p.Thr476Ile)

Gene: MUTYH (mutY DNA glycosylase; minus strand). Cytogenetic location: 1p34.1.
Variant type: single nucleotide variant.
Coding change: c.1427C>T on transcript NM_001048174.2 (MANE Select); coding-DNA position 1427, C replaced by T.
Protein change: p.Thr476Ile; replaces threonine 476 with isoleucine.
Molecular consequence: missense variant. On other transcripts: non-coding transcript variant (2).
Genome position (GRCh38, 1-based): chr1:45,330,523, G>A on the plus strand (C>T on the coding strand, the complement: MUTYH is on the minus strand). VCF-style: chr1-45330523-G-A. GRCh37 (hg19) VCF-style: chr1-45796195-G-A.
Other names: c.1427C>T, p.Thr476Ile (NM_001048171.2, NM_001048173.2, NM_001293195.2); c.1430C>T, p.Thr477Ile (NM_001048172.2); c.1511C>T, p.Thr504Ile (NM_001128425.2); c.1472C>T, p.Thr491Ile (NM_001293190.2); c.1460C>T, p.Thr487Ile (NM_001293191.2); c.1151C>T, p.Thr384Ile (NM_001293192.2, NM_001293196.2); c.1082C>T, p.Thr361Ile (NM_001350650.2, NM_001350651.2); c.1502C>T, p.Thr501Ile (NM_012222.3); short protein forms T504I, T501I, T361I, T476I, T487I, T477I, T491I, T384I.
Identifiers: ClinVar variation 483934 (VCV000483934.13), dbSNP rs1553124014, ClinGen allele CA340132317.
Genomic context (GRCh38, chr1:45,330,523, plus strand): 5'-CCTATGGACTCAGGCCTGGGGAGACACGGTTGGGAGAGGCCTAGGAGACTTACCATACAG[G>A]TCCCTGGCTGTTGGCCCTGATACACACGGAAAACCTAGACAAGAAGACAGGGAGGTGAGG-3'
Protein context (NP_001041639.1, residues 466-486): FRVYQGQQPG[Thr476Ile]CMGSKRSQVS

ClinVar aggregate classification (germline): Conflicting classifications of pathogenicity. Review status: criteria provided, conflicting classifications (1 of 4 stars). 2 submissions from 2 submitters: Uncertain significance (1); Benign (1). Last evaluated 2025-09-09.

Conditions:
Hereditary cancer-predisposing syndrome. Also called: Hereditary neoplastic syndrome; Hereditary Cancer Syndrome; Neoplastic Syndromes, Hereditary; Tumor predisposition. Identifiers: Orphanet 140162, MedGen C0027672, MeSH D009386, MONDO:0015356.
Familial adenomatous polyposis 2. Also called: MYH-associated polyposis; COLORECTAL ADENOMATOUS POLYPOSIS, AUTOSOMAL RECESSIVE; ADENOMAS, MULTIPLE COLORECTAL, AUTOSOMAL RECESSIVE; MUTYH-related attenuated familial adenomatous polyposis; Adenomas, multiple colorectal; FAP type 2. Identifiers: Orphanet 220460, Orphanet 247798, MedGen C3272841, MONDO:0012041, OMIM 608456.

Submissions (2):

Ambry Genetics
Classification: Benign for Hereditary cancer-predisposing syndrome. Last evaluated: 2025-09-09. Review status: criteria provided, single submitter. Criteria: Ambry Variant Classification Scheme 2023. Collection method: clinical testing. Allele origin: germline.

Labcorp Genetics (formerly Invitae), Labcorp
Classification: Uncertain significance for Familial adenomatous polyposis 2. Last evaluated: 2025-05-04. Review status: criteria provided, single submitter. Criteria: Invitae Variant Classification Sherloc (09022015). Collection method: clinical testing. Allele origin: germline.
Comment: This sequence change replaces threonine, which is neutral and polar, with isoleucine, which is neutral and non-polar, at codon 504 of the MUTYH protein (p.Thr504Ile). This variant is not present in population databases (gnomAD no frequency). This variant has not been reported in the literature in individuals affected with MUTYH-related conditions. ClinVar contains an entry for this variant (Variation ID: 483934). An algorithm developed to predict the effect of missense changes on protein structure and function outputs the following: PolyPhen-2: "Benign". The isoleucine amino acid residue is found in multiple mammalian species, which suggests that this missense change does not adversely affect protein function. In summary, the available evidence is currently insufficient to determine the role of this variant in disease. Therefore, it has been classified as a Variant of Uncertain Significance.